The following is an entry in ClinVar:

NM_001698.3(AUH):c.20C>A (p.Ala7Glu)

Genes: AUH (AU RNA binding methylglutaconyl-CoA hydratase; minus strand), LOC130002059 (ATAC-STARR-seq lymphoblastoid silent region 20025; plus strand). Cytogenetic location: 9q22.31.
Variant type: single nucleotide variant.
Coding change: c.20C>A on transcript NM_001698.3 (MANE Select); coding-DNA position 20, C replaced by A.
Protein change: p.Ala7Glu; replaces alanine 7 with glutamic acid.
Molecular consequence: missense variant. On other transcripts: 5 prime UTR variant (3).
Genome position (GRCh38, 1-based): chr9:91,361,870, G>T on the plus strand (C>A on the coding strand, the complement: AUH is on the minus strand). VCF-style: chr9-91361870-G-T. GRCh37 (hg19) VCF-style: chr9-94124152-G-T.
Other names: c.20C>A, p.Ala7Glu (NM_001306190.2); c.-378C>A (NM_001351431.2, NM_001351433.2); c.-470C>A (NM_001351432.2); short protein forms A7E.
Identifiers: ClinVar variation 2195690 (VCV002195690.4), dbSNP rs863223911, ClinGen allele CA373836788.

ClinVar aggregate classification (germline): Uncertain significance (1 of 4 stars; one submission).

Conditions:
3-methylglutaconic aciduria type 1 (MGCA1). Identifiers: Orphanet 67046, MedGen C0342727, MONDO:0009610, OMIM 250950.

gnomAD v4.1: 8 of 1,468,958 alleles (0.00054%); highest among the groups gnomAD compares: Admixed American, 0.0025%; no homozygotes.

Submission:

Labcorp Genetics (formerly Invitae), Labcorp
Classification: Uncertain significance for 3-methylglutaconic aciduria type 1. Last evaluated: 2023-08-04. Review status: criteria provided, single submitter. Criteria: Invitae Variant Classification Sherloc (09022015). Collection method: clinical testing. Allele origin: germline.
Comment: This sequence change replaces alanine, which is neutral and non-polar, with glutamic acid, which is acidic and polar, at codon 7 of the AUH protein (p.Ala7Glu). This variant is present in population databases (no rsID available, gnomAD 0.007%). This variant has not been reported in the literature in individuals affected with AUH-related conditions. ClinVar contains an entry for this variant (Variation ID: 2195690). Experimental studies and prediction algorithms are not available or were not evaluated, and the functional significance of this variant is currently unknown. In summary, the available evidence is currently insufficient to determine the role of this variant in disease. Therefore, it has been classified as a Variant of Uncertain Significance.